The following is an entry in ClinVar:

NM_001100.4(ACTA1):c.133G>T (p.Val45Phe)

Gene: ACTA1 (actin alpha 1, skeletal muscle; minus strand). Cytogenetic location: 1q42.13.
Variant type: single nucleotide variant.
Coding change: c.133G>T on transcript NM_001100.4 (MANE Select); coding-DNA position 133, G replaced by T.
Protein change: p.Val45Phe; replaces valine 45 with phenylalanine.
Molecular consequence: missense variant.
Genome position (GRCh38, 1-based): chr1:229,432,877, C>A on the plus strand (G>T on the coding strand, the complement: ACTA1 is on the minus strand). VCF-style: chr1-229432877-C-A. GRCh37 (hg19) VCF-style: chr1-229568624-C-A.
Identifiers: ClinVar variation 93548 (VCV000093548.17), dbSNP rs398123562, ClinGen allele CA221483.
Genomic context (GRCh38, chr1:229,432,877, plus strand): 5'-CTCTCTTGCTCTGAGCCTCGTCGCCCACGTAGGAATCTTTCTGACCCATACCGACCATGA[C>A]GCCCTGCAGAGCCGAGACACCACGCACCCGTTAACGCCGCTCCGGGTGGCACCAGGCTGG-3'
Protein context (NP_001091.1, residues 35-55): SIVGRPRHQG[Val45Phe]MVGMGQKDSY

ClinVar aggregate classification (germline): Pathogenic/Likely pathogenic. Review status: criteria provided, multiple submitters, no conflicts (2 of 4 stars). 3 submissions from 3 submitters: Pathogenic (2); Likely pathogenic (1). Last evaluated 2023-04-24.

Conditions:
Actin accumulation myopathy (CMYO2A). Also called: CONGENITAL MYOPATHY 2A, TYPICAL, AUTOSOMAL DOMINANT; Myopathy, actin, congenital, with cores; Nemaline myopathy 3, with intranuclear rods; Nemaline myopathy type 3; Myopathy, actin, congenital, with excess of thin myofilaments. Identifiers: Orphanet 98904, MedGen C3711389, MONDO:0008070, OMIM 161800.

Submissions (3):

Labcorp Genetics (formerly Invitae), Labcorp
Classification: Pathogenic for Actin accumulation myopathy. Last evaluated: 2023-04-24. Review status: criteria provided, single submitter. Criteria: Invitae Variant Classification Sherloc (09022015). Collection method: clinical testing. Allele origin: germline.
Comment: For these reasons, this variant has been classified as Pathogenic. Advanced modeling of protein sequence and biophysical properties (such as structural, functional, and spatial information, amino acid conservation, physicochemical variation, residue mobility, and thermodynamic stability) performed at Invitae indicates that this missense variant is expected to disrupt ACTA1 protein function. ClinVar contains an entry for this variant (Variation ID: 93548). This variant is also known as p.Val43Phe. This missense change has been observed in individual(s) with severe congenital myopathy (PMID: 12921789, 25326635; Invitae). In at least one individual the variant was observed to be de novo. This variant is not present in population databases (gnomAD no frequency). This sequence change replaces valine, which is neutral and non-polar, with phenylalanine, which is neutral and non-polar, at codon 45 of the ACTA1 protein (p.Val45Phe).

Baylor Genetics
Classification: Pathogenic for Actin accumulation myopathy. Last evaluated: 2017-09-01. Review status: criteria provided, single submitter. Criteria: ACMG Guidelines, 2015. Collection method: clinical testing. Allele origin: de novo. Inheritance: Autosomal dominant inheritance. Affected: yes.

Eurofins Ntd Llc (ga)
Classification: Likely pathogenic. Last evaluated: 2012-10-03. Review status: criteria provided, single submitter. Criteria: EGL Classification Definitions. Collection method: clinical testing. Allele origin: germline. Observed: 1 variant allele, 1 heterozygote.

Literature cited by the submitters: PubMed 12921789 (cited by Labcorp Genetics (formerly Invitae), Labcorp and Baylor Genetics); PubMed 25326635 (cited by Labcorp Genetics (formerly Invitae), Labcorp and Baylor Genetics).